The following is an entry in ClinVar:

ClinVar aggregate classification (germline): Uncertain significance (1 of 4 stars; one submission).

Conditions:
AHDC1-related disorder. Also called: AHDC1-related condition.

gnomAD v4.1: 1 of 1,613,232 alleles (0.000062%); highest among the groups gnomAD compares: Non-Finnish European, 0.000085%; no homozygotes.

Submission:

PreventionGenetics, part of Exact Sciences
Classification: Uncertain significance for AHDC1-related condition. Last evaluated: 2026-09-22. Review status: criteria provided, single submitter. Criteria: ACMG Guidelines, 2015. Collection method: clinical testing. Allele origin: germline.
Comment: The AHDC1 c.3373A>C variant is predicted to result in the amino acid substitution p.Ser1125Arg. To our knowledge, this variant has not been reported in the literature or in a large population database (gnomAD), indicating this variant is rare. At this time, the clinical significance of this variant is uncertain due to the absence of conclusive functional and genetic evidence.

NM_001371928.1(AHDC1):c.3373A>C (p.Ser1125Arg)

Gene: AHDC1 (AT-hook DNA binding motif containing 1; minus strand). Cytogenetic location: 1p36.11.
Variant type: single nucleotide variant.
Coding change: c.3373A>C on transcript NM_001371928.1 (MANE Select); coding-DNA position 3373, A replaced by C.
Protein change: p.Ser1125Arg; replaces serine 1125 with arginine.
Molecular consequence: missense variant.
Genome position (GRCh38, 1-based): chr1:27,548,743, T>G on the plus strand (A>C on the coding strand, the complement: AHDC1 is on the minus strand). VCF-style: chr1-27548743-T-G. GRCh37 (hg19) VCF-style: chr1-27875254-T-G.
Other names: c.3373A>C, p.Ser1125Arg (NM_001029882.3); short protein forms S1125R.
Identifiers: ClinVar variation 4998244 (VCV004998244.1).
Genomic context (GRCh38, chr1:27,548,743, plus strand): 5'-TGTCCAGGATCACGTTGGGCTCGCTGACGTGGCAGTCAAAACTGGGATTGTAGAGCTGAC[T>G]AAAGGCCTCTGAGGCCCAGTCCAGGCCTCCATAGCCCTGCCGGAAAGGCCACTGAGAAGC-3'
Protein context (NP_001358857.1, residues 1115-1135): GGLDWASEAF[Ser1125Arg]QLYNPSFDCH